The following is an entry in ClinVar:

ClinVar aggregate classification (germline): Uncertain significance (1 of 4 stars; one submission).

gnomAD v4.1: 2 of 1,614,152 alleles (0.00012%); highest among the groups gnomAD compares: Admixed American, 0.0033%; no homozygotes.

Submission:

Labcorp Genetics (formerly Invitae), Labcorp
Classification: Uncertain significance. Last evaluated: 2025-04-19. Review status: criteria provided, single submitter. Criteria: Invitae Variant Classification Sherloc (09022015). Collection method: clinical testing. Allele origin: germline.
Comment: This sequence change replaces glutamine, which is neutral and polar, with lysine, which is basic and polar, at codon 283 of the TBX4 protein (p.Gln283Lys). This variant is not present in population databases (gnomAD no frequency). This variant has not been reported in the literature in individuals affected with TBX4-related conditions. Invitae Evidence Modeling of protein sequence and biophysical properties (such as structural, functional, and spatial information, amino acid conservation, physicochemical variation, residue mobility, and thermodynamic stability) indicates that this missense variant is not expected to disrupt TBX4 protein function with a negative predictive value of 95%. In summary, the available evidence is currently insufficient to determine the role of this variant in disease. Therefore, it has been classified as a Variant of Uncertain Significance.

NM_001321120.2(TBX4):c.847C>A (p.Gln283Lys)

Gene: TBX4 (T-box transcription factor 4; plus strand). Cytogenetic location: 17q23.2.
Variant type: single nucleotide variant.
Coding change: c.847C>A on transcript NM_001321120.2 (MANE Select); coding-DNA position 847, C replaced by A.
Protein change: p.Gln283Lys; replaces glutamine 283 with lysine.
Molecular consequence: missense variant.
Genome position (GRCh38, 1-based): chr17:61,480,145, C>A. VCF-style: chr17-61480145-C-A. GRCh37 (hg19) VCF-style: chr17-59557506-C-A.
Other names: c.847C>A, p.Gln283Lys (NM_018488.3); short protein forms Q283K.
Identifiers: ClinVar variation 4763547 (VCV004763547.1).